The following is an entry in ClinVar:

ClinVar aggregate classification (germline): Uncertain significance. Review status: criteria provided, multiple submitters, no conflicts (2 of 4 stars). 3 submissions from 3 submitters: Uncertain significance (3). Last evaluated 2023-12-04.

Conditions:
Cardiomyopathy (CMYO). Also called: Cardiomyopathies. Identifiers: Orphanet 167848, MedGen C0878544, MONDO:0004994, HP:0001638. Inheritance: Various modes of inheritance.
Lethal congenital glycogen storage disease of heart. Also called: PHOSPHORYLASE KINASE DEFICIENCY OF HEART; GLYCOGEN STORAGE DISEASE OF HEART. Identifiers: Orphanet 439854, MedGen C1849813, MONDO:0009867, OMIM 261740.
Hypertrophic cardiomyopathy. Also called: HYPERTROPHIC MYOCARDIOPATHY. Identifiers: Orphanet 217569, MedGen C0007194, MeSH D002312, MONDO:0005045, HP:0001639.

Allele frequency attached by ClinVar (database versions not stated): gnomAD 0.00001; gnomAD exomes 0.00001; TOPMed 0.00001.
gnomAD v4.1: 11 of 1,614,052 alleles (0.00068%); highest among the groups gnomAD compares: Non-Finnish European, 0.00093%; no homozygotes.

Submissions (3):

Color Diagnostics, LLC DBA Color Health
Classification: Uncertain significance for Cardiomyopathy. Last evaluated: 2023-12-04. Review status: criteria provided, single submitter. Criteria: ACMG Guidelines, 2015. Collection method: clinical testing. Allele origin: germline.
Comment: This missense variant replaces glutamine with proline at codon 172 of the PRKAG2 protein. Computational prediction tools and conservation analyses are inconclusive regarding the impact of this variant on the protein function. Computational splicing tools suggest that this variant may not impact RNA splicing. To our knowledge, functional assays have not been performed for this variant nor has this variant been reported in individuals affected with cardiovascular disorders in the literature. This variant has not been identified in the general population by the Genome Aggregation Database (gnomAD). Available evidence is insufficient to determine the role of this variant in disease conclusively. Therefore, this variant is classified as a Variant of Uncertain Significance.

All of Us Research Program, National Institutes of Health
Classification: Uncertain significance for Hypertrophic cardiomyopathy. Last evaluated: 2023-11-30. Review status: criteria provided, single submitter. Criteria: ACMG Guidelines, 2015. Collection method: clinical testing. Allele origin: germline. Inheritance: Autosomal dominant inheritance. Observed: 1 variant allele, 1 heterozygote.
Comment: This missense variant replaces glutamine with proline at codon 172 of the PRKAG2 protein. Computational prediction tools and conservation analyses are inconclusive regarding the impact of this variant on the protein function. Computational splicing tools suggest that this variant may not impact RNA splicing. To our knowledge, functional assays have not been performed for this variant nor has this variant been reported in individuals affected with cardiovascular disorders in the literature. This variant has not been identified in the general population by the Genome Aggregation Database (gnomAD). Available evidence is insufficient to determine the role of this variant in disease conclusively. Therefore, this variant is classified as a Variant of Uncertain Significance.

This study involves interpretation of variants in research participants for the purpose of population health screening. Participant phenotype was not available at the time of variant classification. Additional details can be found in publication PMID: 35346344, PMCID: PMC8962531

Labcorp Genetics (formerly Invitae), Labcorp
Classification: Uncertain significance for Lethal congenital glycogen storage disease of heart. Last evaluated: 2021-08-24. Review status: criteria provided, single submitter. Criteria: Invitae Variant Classification Sherloc (09022015). Collection method: clinical testing. Allele origin: germline.
Comment: This sequence change replaces glutamine with proline at codon 172 of the PRKAG2 protein (p.Gln172Pro). The glutamine residue is moderately conserved and there is a moderate physicochemical difference between glutamine and proline. This variant is not present in population databases (ExAC no frequency). This variant has not been reported in the literature in individuals affected with PRKAG2-related conditions. Algorithms developed to predict the effect of missense changes on protein structure and function output the following: SIFT: "Deleterious"; PolyPhen-2: "Benign"; Align-GVGD: "Class C0". The proline amino acid residue is found in multiple mammalian species, which suggests that this missense change does not adversely affect protein function. In summary, the available evidence is currently insufficient to determine the role of this variant in disease. Therefore, it has been classified as a Variant of Uncertain Significance.

NM_016203.4(PRKAG2):c.515A>C (p.Gln172Pro)

Gene: PRKAG2 (protein kinase AMP-activated non-catalytic subunit gamma 2; minus strand). Cytogenetic location: 7q36.1.
Variant type: single nucleotide variant.
Coding change: c.515A>C on transcript NM_016203.4 (MANE Select); coding-DNA position 515, A replaced by C.
Protein change: p.Gln172Pro; replaces glutamine 172 with proline.
Molecular consequence: missense variant.
Genome position (GRCh38, 1-based): chr7:151,675,589, T>G on the plus strand (A>C on the coding strand, the complement: PRKAG2 is on the minus strand). VCF-style: chr7-151675589-T-G. GRCh37 (hg19) VCF-style: chr7-151372675-T-G.
Other names: c.383A>C, p.Gln128Pro (NM_001040633.2); c.143A>C, p.Gln48Pro (NM_001304527.2, NM_001363698.2); short protein forms Q128P, Q48P, Q172P.
Identifiers: ClinVar variation 927695 (VCV000927695.8), dbSNP rs969117866, ClinGen allele CA169447544.
Genomic context (GRCh38, chr7:151,675,589, plus strand): 5'-TAGATGCGATTCTCTAACCGTTCAGGCTCGTGCTTATAGGATTCCAGGGGAAACGTGTGC[T>G]GCTTGGTCACTTGGGTGGGTGTTGACGGAGAGGAGGAGAGGCCGGAGGCTGCAGAAGAAA-3'
Protein context (NP_057287.2, residues 162-182): SPSTPTQVTK[Gln172Pro]HTFPLESYKH